The following is an entry in ClinVar:

ClinVar aggregate classification (germline): Uncertain significance (1 of 4 stars; one submission).

gnomAD v4.1: 2 of 1,542,022 alleles (0.00013%); highest among the groups gnomAD compares: Non-Finnish European, 0.00017%; no homozygotes.

Submission:

GeneDx
Classification: Uncertain significance. Last evaluated: 2024-10-04. Review status: criteria provided, single submitter. Criteria: GeneDx Variant Classification Process June 2021. Collection method: clinical testing. Allele origin: germline. Affected: yes.
Comment: Not observed in large population cohorts (gnomAD); In silico analysis supports that this missense variant has a deleterious effect on protein structure/function; Has not been previously published as pathogenic or benign to our knowledge

NM_002430.3(MN1):c.1870C>G (p.His624Asp)

Gene: MN1 (MN1 proto-oncogene, transcriptional regulator; minus strand). Cytogenetic location: 22q12.1.
Variant type: single nucleotide variant.
Coding change: c.1870C>G on transcript NM_002430.3 (MANE Select); coding-DNA position 1870, C replaced by G.
Protein change: p.His624Asp; replaces histidine 624 with aspartic acid.
Molecular consequence: missense variant.
Genome position (GRCh38, 1-based): chr22:27,798,674, G>C on the plus strand (C>G on the coding strand, the complement: MN1 is on the minus strand). VCF-style: chr22-27798674-G-C. GRCh37 (hg19) VCF-style: chr22-28194662-G-C.
Other names: short protein forms H624D.
Identifiers: ClinVar variation 3776347 (VCV003776347.1).